The following is an entry in ClinVar:

ClinVar aggregate classification (germline): Uncertain significance (1 of 4 stars; one submission).

Submission:

Ambry Genetics
Classification: Uncertain significance. Last evaluated: 2024-11-16. Review status: criteria provided, single submitter. Criteria: Ambry Variant Classification Scheme 2023. Collection method: clinical testing. Allele origin: germline.
Comment: The p.L97F variant (also known as c.289C>T), located in coding exon 3 of the NQO1 gene, results from a C to T substitution at nucleotide position 289. The leucine at codon 97 is replaced by phenylalanine, an amino acid with highly similar properties. This amino acid position is conserved. In addition, the in silico prediction for this alteration is inconclusive. Since supporting evidence is limited at this time, the clinical significance of this alteration remains unclear.

NM_000903.3(NQO1):c.289C>T (p.Leu97Phe)

Gene: NQO1 (NAD(P)H quinone dehydrogenase 1; minus strand). Cytogenetic location: 16q22.1.
Variant type: single nucleotide variant.
Coding change: c.289C>T on transcript NM_000903.3 (MANE Select); coding-DNA position 289, C replaced by T.
Protein change: p.Leu97Phe; replaces leucine 97 with phenylalanine.
Molecular consequence: missense variant.
Genome position (GRCh38, 1-based): chr16:69,718,137, G>A on the plus strand (C>T on the coding strand, the complement: NQO1 is on the minus strand). VCF-style: chr16-69718137-G-A. GRCh37 (hg19) VCF-style: chr16-69752040-G-A.
Other names: c.289C>T, p.Leu97Phe (NM_001025433.2, NM_001025434.2, NM_001286137.2); short protein forms L97F.
Identifiers: ClinVar variation 1797390 (VCV001797390.3), dbSNP rs2544332188, ClinGen allele CA396489759.